The following is an entry in ClinVar:

ClinVar aggregate classification (germline): Benign/Likely benign. Review status: criteria provided, multiple submitters, no conflicts (2 of 4 stars). 4 submissions from 4 submitters: Benign (2); Likely benign (2). Last evaluated 2026-01-15.

Conditions:
PDGFB-related disorder. Also called: PDGFB-related condition.

Allele frequency attached by ClinVar (database versions not stated): gnomAD exomes 0.00019 and 0.00061; ExAC 0.00088; ESP Exome Variant Server 0.00200; gnomAD 0.00212 and 0.00227; TOPMed 0.00232; 1000 Genomes Project 30x 0.00250; 1000 Genomes Project 0.00280.
gnomAD v4.1: 619 of 1,613,118 alleles (0.038%); highest among the groups gnomAD compares: African/African-American, 0.75%; 2 homozygotes.

Submissions (4):

Labcorp Genetics (formerly Invitae), Labcorp
Classification: Benign. Last evaluated: 2026-01-15. Review status: criteria provided, single submitter. Criteria: Invitae Variant Classification Sherloc (09022015). Collection method: clinical testing. Allele origin: germline.

PreventionGenetics, part of Exact Sciences
Classification: Likely benign for PDGFB-related condition. Last evaluated: 2025-09-29. Review status: criteria provided, single submitter. Criteria: ACMG Guidelines, 2015. Collection method: clinical testing. Allele origin: germline.
Comment: This variant is classified as likely benign based on ACMG/AMP sequence variant interpretation guidelines (Richards et al. 2015 PMID: 25741868, with internal and published modifications).

CeGaT Center for Human Genetics Tuebingen
Classification: Likely benign. Last evaluated: 2023-01-01. Review status: criteria provided, single submitter. Criteria: CeGaT Center For Human Genetics Tuebingen Variant Classification Criteria Version 2. Collection method: clinical testing. Allele origin: germline. Affected: yes. Observed: 2 variant alleles.
Comment: PDGFB: BP4, BS2

GeneDx
Classification: Benign. Last evaluated: 2021-03-24. Review status: criteria provided, single submitter. Criteria: GeneDx Variant Classification Process June 2021. Collection method: clinical testing. Allele origin: germline. Affected: yes.

NM_002608.4(PDGFB):c.262A>G (p.Ile88Val)

Gene: PDGFB (platelet derived growth factor subunit B; minus strand). Cytogenetic location: 22q13.1.
Variant type: single nucleotide variant.
Coding change: c.262A>G on transcript NM_002608.4 (MANE Select); coding-DNA position 262, A replaced by G.
Protein change: p.Ile88Val; replaces isoleucine 88 with valine.
Molecular consequence: missense variant.
Genome position (GRCh38, 1-based): chr22:39,231,816, T>C on the plus strand (A>G on the coding strand, the complement: PDGFB is on the minus strand). VCF-style: chr22-39231816-T-C. GRCh37 (hg19) VCF-style: chr22-39627821-T-C.
Other names: c.217A>G, p.Ile73Val (NM_033016.3); short protein forms I73V, I88V.
Identifiers: ClinVar variation 725856 (VCV000725856.34), dbSNP rs17565, ClinGen allele CA10240161.